The following is an entry in ClinVar:

NM_023110.3(FGFR1):c.1477G>A (p.Val493Met)

Gene: FGFR1 (fibroblast growth factor receptor 1; minus strand). Cytogenetic location: 8p11.23.
Variant type: single nucleotide variant.
Coding change: c.1477G>A on transcript NM_023110.3 (MANE Select); coding-DNA position 1477, G replaced by A.
Protein change: p.Val493Met; replaces valine 493 with methionine.
Molecular consequence: missense variant.
Genome position (GRCh38, 1-based): chr8:38,417,945, C>T on the plus strand (G>A on the coding strand, the complement: FGFR1 is on the minus strand). VCF-style: chr8-38417945-C-T. GRCh37 (hg19) VCF-style: chr8-38275463-C-T.
Other names: c.1471G>A, p.Val491Met (NM_001174063.2, NM_001174065.2, NM_001354367.2 and 1 more transcripts); c.1447G>A, p.Val483Met (NM_001174064.2); c.1210G>A, p.Val404Met (NM_001174066.2, NM_023105.3); c.1570G>A, p.Val524Met (NM_001174067.2); c.1198G>A, p.Val400Met (NM_001354368.2); c.1465G>A, p.Val489Met (NM_001354369.2); c.1204G>A, p.Val402Met (NM_001354370.2, NM_023106.3); short protein forms V400M, V402M, V404M, V483M, V489M, V491M, V493M, V524M.
Identifiers: ClinVar variation 1065576 (VCV001065576.7), dbSNP rs752601407, ClinGen allele CA4718364.

ClinVar aggregate classification (germline): Conflicting classifications of pathogenicity. Review status: criteria provided, conflicting classifications (1 of 4 stars). 2 submissions from 2 submitters: Uncertain significance (1); Likely benign (1). Last evaluated 2024-02-05.

Conditions:
Pfeiffer syndrome (ACS5). Also called: ACS V. Identifiers: Orphanet 710, MedGen C0220658, MONDO:0007043, OMIM 101600.
Hypogonadotropic hypogonadism 2 with or without anosmia (HH2). Also called: HYPOGONADOTROPIC HYPOGONADISM 2 WITHOUT ANOSMIA; FGFR1-Related GnRH Deficiency (Kallmann Syndrome 2); HYPOGONADOTROPIC HYPOGONADISM 2 WITH OR WITHOUT ANOSMIA, SUSCEPTIBILITY TO; HYPOGONADOTROPIC HYPOGONADISM 2 WITHOUT ANOSMIA, SUSCEPTIBILITY TO. Identifiers: Orphanet 478, MedGen C1563720, MONDO:0007844, OMIM 147950. Disease mechanism: loss of function.

Allele frequency attached by ClinVar (database versions not stated): gnomAD exomes 0.00001 and 0.00004; ExAC 0.00002.
gnomAD v4.1: 20 of 1,614,226 alleles (0.0012%); highest among the groups gnomAD compares: South Asian, 0.02%; no homozygotes.

Submissions (2):

Labcorp Genetics (formerly Invitae), Labcorp
Classification: Uncertain significance for Pfeiffer syndrome; Hypogonadotropic hypogonadism 2 with or without anosmia. Last evaluated: 2024-02-05. Review status: criteria provided, single submitter. Criteria: Invitae Variant Classification Sherloc (09022015). Collection method: clinical testing. Allele origin: germline.
Comment: This sequence change replaces valine, which is neutral and non-polar, with methionine, which is neutral and non-polar, at codon 493 of the FGFR1 protein (p.Val493Met). This variant is present in population databases (rs752601407, gnomAD 0.04%). This variant has not been reported in the literature in individuals affected with FGFR1-related conditions. ClinVar contains an entry for this variant (Variation ID: 1065576). Advanced modeling of protein sequence and biophysical properties (such as structural, functional, and spatial information, amino acid conservation, physicochemical variation, residue mobility, and thermodynamic stability) has been performed at Invitae for this missense variant, however the output from this modeling did not meet the statistical confidence thresholds required to predict the impact of this variant on FGFR1 protein function. In summary, the available evidence is currently insufficient to determine the role of this variant in disease. Therefore, it has been classified as a Variant of Uncertain Significance.

Johns Hopkins Genomics, Johns Hopkins University
Classification: Likely benign. Last evaluated: 2021-04-26. Review status: criteria provided, single submitter. Criteria: ACMG Guidelines, 2015. Collection method: clinical testing. Allele origin: germline.